The following is an entry in ClinVar:

NM_001368397.1(FRMPD4):c.3813C>T (p.His1271=)

Gene: FRMPD4 (FERM and PDZ domain containing 4; plus strand). Cytogenetic location: Xp22.2.
Variant type: single nucleotide variant.
Coding change: c.3813C>T on transcript NM_001368397.1 (MANE Select); coding-DNA position 3813, C replaced by T.
Protein change: p.His1271=; no amino-acid change (histidine 1271 retained).
Molecular consequence: synonymous variant.
Genome position (GRCh38, 1-based): chrX:12,718,639, C>T. VCF-style: chrX-12718639-C-T. GRCh37 (hg19) VCF-style: chrX-12736758-C-T.
Other names: c.3924C>T, p.His1308= (NM_001368395.3, NM_001368398.3); c.3819C>T, p.His1273= (NM_001368396.3); c.3804C>T, p.His1268= (NM_001368399.3); c.3693C>T, p.His1231= (NM_001368400.3); c.3789C>T, p.His1263= (NM_001368401.1, NM_001368402.3); c.3813C>T, p.His1271= (NM_014728.3).
Identifiers: ClinVar variation 435269 (VCV000435269.23), dbSNP rs376423451, ClinGen allele CA10349658.
Genomic context (GRCh38, chrX:12,718,639, plus strand): 5'-TTCTGGGAAAGGCGTGAATTACATTCCTTCAGAGGAGAGAGCCCCTGGGCTTCCCAACCA[C>T]GGAGCCACCTTTAAGGAACTGCACCCACAGACAGAAGGGATGTGTCCACGGATGACAGTG-3'
Protein context (NP_001355326.1, residues 1261-1281): SEERAPGLPN[His1271=]GATFKELHPQ

ClinVar aggregate classification (germline): Benign/Likely benign. Review status: criteria provided, multiple submitters, no conflicts (2 of 4 stars). 2 submissions from 2 submitters: Benign (1); Likely benign (1). Last evaluated 2025-09-01.

Allele frequency attached by ClinVar (database versions not stated): gnomAD exomes 0.00014 and 0.00016; TOPMed 0.00014; gnomAD 0.00015; ESP Exome Variant Server 0.00009; ExAC 0.00023.
gnomAD v4.1: 168 of 1,208,156 alleles (0.014%); highest among the groups gnomAD compares: South Asian, 0.07%; no homozygotes.

Submissions (2):

CeGaT Center for Human Genetics Tuebingen
Classification: Likely benign. Last evaluated: 2025-09-01. Review status: criteria provided, single submitter. Criteria: CeGaT Center For Human Genetics Tuebingen Variant Classification Criteria Version 2. Collection method: clinical testing. Allele origin: germline. Affected: yes. Observed: 4 variant alleles.
Comment: FRMPD4: BP4, BP7, BS2

Genetic Services Laboratory, University of Chicago
Classification: Benign. Last evaluated: 2017-08-04. Review status: criteria provided, single submitter. Criteria: ACMG Guidelines, 2015. Collection method: clinical testing. Allele origin: germline. Affected: no.